The following is an entry in ClinVar:

ClinVar aggregate classification (germline): Uncertain significance. Review status: criteria provided, multiple submitters, no conflicts (2 of 4 stars). 2 submissions from 2 submitters: Uncertain significance (2). Last evaluated 2026-04-21.

Conditions:
Dyskeratosis congenita, autosomal dominant 2. Identifiers: MedGen C3151443, MONDO:0013521, OMIM 613989.
Idiopathic Pulmonary Fibrosis. Also called: Idiopathic fibrosing alveolitis, chronic form; idiopathic fibrosing alveolitis. Identifiers: Orphanet 2032, MedGen C1800706, MeSH D054990, MONDO:0800504.
Dyskeratosis congenita. Identifiers: Orphanet 1775, MedGen C0265965, MONDO:0015780.

Allele frequency attached by ClinVar (database versions not stated): gnomAD exomes below 0.00001.
gnomAD v4.1: 2 of 1,613,242 alleles (0.00012%); highest among the groups gnomAD compares: Non-Finnish European, 0.00017%; no homozygotes.

Submissions (2):

Ambry Genetics
Classification: Uncertain significance for Dyskeratosis congenita. Last evaluated: 2026-04-21. Review status: criteria provided, single submitter. Criteria: Ambry Variant Classification Scheme 2023. Collection method: clinical testing. Allele origin: germline.
Comment: The p.P1091R variant (also known as c.3272C>G), located in coding exon 15 of the TERT gene, results from a C to G substitution at nucleotide position 3272. The proline at codon 1091 is replaced by arginine, an amino acid with dissimilar properties. This amino acid position is poorly conserved in available vertebrate species. In addition, this alteration is predicted to be tolerated by in silico analysis. Based on the available evidence, the clinical significance of this variant remains unclear.

Labcorp Genetics (formerly Invitae), Labcorp
Classification: Uncertain significance for Dyskeratosis congenita, autosomal dominant 2; Idiopathic Pulmonary Fibrosis. Last evaluated: 2023-06-21. Review status: criteria provided, single submitter. Criteria: Invitae Variant Classification Sherloc (09022015). Collection method: clinical testing. Allele origin: germline.
Comment: In summary, the available evidence is currently insufficient to determine the role of this variant in disease. Therefore, it has been classified as a Variant of Uncertain Significance. Advanced modeling of protein sequence and biophysical properties (such as structural, functional, and spatial information, amino acid conservation, physicochemical variation, residue mobility, and thermodynamic stability) performed at Invitae indicates that this missense variant is not expected to disrupt TERT protein function. ClinVar contains an entry for this variant (Variation ID: 2180720). This variant has not been reported in the literature in individuals affected with TERT-related conditions. This variant is present in population databases (no rsID available, gnomAD 0.0009%). This sequence change replaces proline, which is neutral and non-polar, with arginine, which is basic and polar, at codon 1091 of the TERT protein (p.Pro1091Arg).

NM_198253.3(TERT):c.3272C>G (p.Pro1091Arg)

Gene: TERT (telomerase reverse transcriptase; minus strand). Cytogenetic location: 5p15.33.
Variant type: single nucleotide variant.
Coding change: c.3272C>G on transcript NM_198253.3 (MANE Select); coding-DNA position 3272, C replaced by G.
Protein change: p.Pro1091Arg; replaces proline 1091 with arginine.
Molecular consequence: missense variant. On other transcripts: non-coding transcript variant (2).
Genome position (GRCh38, 1-based): chr5:1,254,391, G>C on the plus strand (C>G on the coding strand, the complement: TERT is on the minus strand). VCF-style: chr5-1254391-G-C. GRCh37 (hg19) VCF-style: chr5-1254506-G-C.
Other names: c.3083C>G, p.Pro1028Arg (NM_001193376.3); c.3272C>G, p.Pro1091Arg (NM_003219.1); short protein forms P1028R, P1091R.
Identifiers: ClinVar variation 2180720 (VCV002180720.5), dbSNP rs1217591907, ClinGen allele CA359067135.